The following is an entry in ClinVar:

NM_001273.5(CHD4):c.832C>T (p.Pro278Ser)

Gene: CHD4 (chromodomain helicase DNA binding protein 4; minus strand). Cytogenetic location: 12p13.31.
Variant type: single nucleotide variant.
Coding change: c.832C>T on transcript NM_001273.5 (MANE Select); coding-DNA position 832, C replaced by T.
Protein change: p.Pro278Ser; replaces proline 278 with serine.
Molecular consequence: missense variant.
Genome position (GRCh38, 1-based): chr12:6,601,021, G>A on the plus strand (C>T on the coding strand, the complement: CHD4 is on the minus strand). VCF-style: chr12-6601021-G-A. GRCh37 (hg19) VCF-style: chr12-6710187-G-A.
Other names: c.811C>T, p.Pro271Ser (NM_001297553.2); c.832C>T, p.Pro278Ser (NM_001363606.2); short protein forms P278S, P271S.
Identifiers: ClinVar variation 2604772 (VCV002604772.3), dbSNP rs746694342, ClinGen allele CA6412397.
Genomic context (GRCh38, chr12:6,601,021, plus strand): 5'-GCTTGATTTTCAGGGGAGCTACTTTCTTGGGTTTAGGCTTCTTGGCATCAGGTACACGAG[G>A]GCTGCCCTTGGGCTTCCTCCGAGCATTGGGACCTAAAATCAGGATATATCCAAATATATA-3'
Protein context (NP_001264.2, residues 268-288): PNARRKPKGS[Pro278Ser]RVPDAKKPKP

ClinVar aggregate classification (germline): Uncertain significance. Review status: criteria provided, multiple submitters, no conflicts (2 of 4 stars). 2 submissions from 2 submitters: Uncertain significance (2). Last evaluated 2025-09-14.

Conditions:
Inborn genetic diseases. Identifiers: MedGen C0950123, MeSH D030342.

Allele frequency attached by ClinVar (database versions not stated): gnomAD exomes 0.00002; ExAC 0.00001.

Submissions (2):

Labcorp Genetics (formerly Invitae), Labcorp
Classification: Uncertain significance. Last evaluated: 2025-09-14. Review status: criteria provided, single submitter. Criteria: Invitae Variant Classification Sherloc (09022015). Collection method: clinical testing. Allele origin: germline.
Comment: This sequence change replaces proline, which is neutral and non-polar, with serine, which is neutral and polar, at codon 278 of the CHD4 protein (p.Pro278Ser). The frequency data for this variant in the population databases is considered unreliable, as metrics indicate poor data quality at this position in the gnomAD database. This variant has not been reported in the literature in individuals affected with CHD4-related conditions. ClinVar contains an entry for this variant (Variation ID: 2604772). Invitae Evidence Modeling of protein sequence and biophysical properties (such as structural, functional, and spatial information, amino acid conservation, physicochemical variation, residue mobility, and thermodynamic stability) indicates that this missense variant is not expected to disrupt CHD4 protein function with a negative predictive value of 80%. In summary, the available evidence is currently insufficient to determine the role of this variant in disease. Therefore, it has been classified as a Variant of Uncertain Significance.

Ambry Genetics
Classification: Uncertain significance for Inborn genetic diseases. Last evaluated: 2023-06-21. Review status: criteria provided, single submitter. Criteria: Ambry Variant Classification Scheme 2023. Collection method: clinical testing. Allele origin: germline.